The following is an entry in ClinVar:

NM_015559.3(SETBP1):c.3361G>A (p.Val1121Ile)

Gene: SETBP1 (SET binding protein 1; plus strand). Cytogenetic location: 18q12.3.
Variant type: single nucleotide variant.
Coding change: c.3361G>A on transcript NM_015559.3 (MANE Select); coding-DNA position 3361, G replaced by A.
Protein change: p.Val1121Ile; replaces valine 1121 with isoleucine.
Molecular consequence: missense variant.
Genome position (GRCh38, 1-based): chr18:44,952,701, G>A. VCF-style: chr18-44952701-G-A. GRCh37 (hg19) VCF-style: chr18-42532666-G-A.
Other names: c.3361G>A, p.Val1121Ile (NM_001379141.1, NM_001379142.1); short protein forms V1121I.
Identifiers: ClinVar variation 1480419 (VCV001480419.8), dbSNP rs2145111962, ClinGen allele CA402324263.
Genomic context (GRCh38, chr18:44,952,701, plus strand): 5'-GTAAAGATGTCCGGTGCAGCTAAGCATAAAGCCAAGCATGGAGTACACCTGCAGGGACCT[G>A]TTAGCATGGGCCTTGGTGACATGCAGCCTTCTCTGAACCCTCCCAAGGTAGGCAGTGCCA-3'
Protein context (NP_056374.2, residues 1111-1131): AKHGVHLQGP[Val1121Ile]SMGLGDMQPS

ClinVar aggregate classification (germline): Uncertain significance (1 of 4 stars; one submission).

Allele frequency attached by ClinVar (database versions not stated): gnomAD exomes below 0.00001.
gnomAD v4.1: 4 of 1,614,150 alleles (0.00025%); highest among the groups gnomAD compares: South Asian, 0.0011%; no homozygotes.

Submission:

Labcorp Genetics (formerly Invitae), Labcorp
Classification: Uncertain significance. Last evaluated: 2022-10-13. Review status: criteria provided, single submitter. Criteria: Invitae Variant Classification Sherloc (09022015). Collection method: clinical testing. Allele origin: germline.
Comment: In summary, the available evidence is currently insufficient to determine the role of this variant in disease. Therefore, it has been classified as a Variant of Uncertain Significance. Advanced modeling of protein sequence and biophysical properties (such as structural, functional, and spatial information, amino acid conservation, physicochemical variation, residue mobility, and thermodynamic stability) performed at Invitae indicates that this missense variant is not expected to disrupt SETBP1 protein function. ClinVar contains an entry for this variant (Variation ID: 1480419). This variant has not been reported in the literature in individuals affected with SETBP1-related conditions. This variant is not present in population databases (gnomAD no frequency). This sequence change replaces valine, which is neutral and non-polar, with isoleucine, which is neutral and non-polar, at codon 1121 of the SETBP1 protein (p.Val1121Ile).